The following is an entry in ClinVar:

NM_000059.4(BRCA2):c.5560_5561del (p.Val1854fs)

Gene: BRCA2 (BRCA2 DNA repair associated; plus strand). Cytogenetic location: 13q13.1.
Variant type: Microsatellite.
Coding change: c.5560_5561del on transcript NM_000059.4 (MANE Select); coding-DNA positions 5560 to 5561, 2 bases deleted (GT; older notation c.5560_5561delGT).
Protein change: p.Val1854fs; shifts the reading frame from valine 1854.
Molecular consequence: frameshift variant.
Genome position (GRCh38, 1-based): chr13:32,339,915-32,339,916, GT deleted; deleting any 2 consecutive bases within chr13:32,339,912-32,339,916 gives the same sequence; the c. name uses the placement nearest the transcript's 3' end. VCF-style (leftmost placement, unchanged base first): chr13-32339911-TTG-T. GRCh37 (hg19) VCF-style: chr13-32914048-TTG-T.
Other names: c.5558_5559delGT (NM_000059.3); short protein forms V1854fs.
Identifiers: ClinVar variation 51879 (VCV000051879.14), dbSNP rs397507787, ClinGen allele CA022572.

ClinVar aggregate classification (germline): Pathogenic. Review status: reviewed by expert panel (3 of 4 stars). 8 submissions from 8 submitters: Pathogenic (1). 7 of the submissions do not count toward it. Last evaluated 2016-09-08.

Conditions:
Hereditary cancer-predisposing syndrome. Also called: Tumor predisposition; Neoplastic Syndromes, Hereditary; Hereditary Cancer Syndrome; Hereditary neoplastic syndrome. Identifiers: Orphanet 140162, MedGen C0027672, MeSH D009386, MONDO:0015356.
Hereditary breast ovarian cancer syndrome. Also called: Hereditary breast and ovarian cancer syndrome (HBOC); Hereditary breast and ovarian cancer syndrome; Hereditary breast and ovarian cancer; Hereditary breast and/or ovarian cancer syndrome; Breast and ovarian cancer; BRCA1- and BRCA2-Associated Hereditary Breast and Ovarian Cancer. Identifiers: Orphanet 145, MedGen C0677776, MeSH D061325, MONDO:0003582. Disease mechanism: loss of function.
Breast-ovarian cancer, familial, susceptibility to, 2 (BROVCA2). Also called: BRCA2 Hereditary Breast and Ovarian Cancer. Identifiers: Orphanet 145, MedGen C2675520, MONDO:0012933, OMIM 612555. Disease mechanism: loss of function.
Breast-ovarian cancer, familial, susceptibility to, 1 (BROVCA1). Also called: OVARIAN CANCER, SUSCEPTIBILITY TO; BRCA1 Hereditary Breast and Ovarian Cancer. Identifiers: Orphanet 145, MedGen C2676676, MONDO:0011450, OMIM 604370. Disease mechanism: loss of function.
Familial cancer of breast. Also called: Hereditary breast cancer; hereditary breast carcinoma; BREAST CANCER, FAMILIAL. Identifiers: Orphanet 227535, MedGen C0346153, MONDO:0016419, OMIM 114480. Disease mechanism: loss of function.

Submissions (8):

Evidence-based Network for the Interpretation of Germline Mutant Alleles (ENIGMA)
Classification: Pathogenic for Breast-ovarian cancer, familial, susceptibility to, 2. Last evaluated: 2016-09-08. Review status: reviewed by expert panel. Criteria: ENIGMA BRCA1/2 Classification Criteria (2015). Collection method: curation. Allele origin: germline.
Comment: Variant allele predicted to encode a truncated non-functional protein.

Labcorp Genetics (formerly Invitae), Labcorp
Classification: Pathogenic for Hereditary breast ovarian cancer syndrome. Last evaluated: 2025-06-23. Review status: criteria provided, single submitter. Criteria: Invitae Variant Classification Sherloc (09022015). Collection method: clinical testing. Allele origin: germline. Not counted in ClinVar's aggregate classification.
Comment: This sequence change creates a premature translational stop signal (p.Val1854Phefs*3) in the BRCA2 gene. It is expected to result in an absent or disrupted protein product. Loss-of-function variants in BRCA2 are known to be pathogenic (PMID: 20104584). This variant is not present in population databases (gnomAD no frequency). This premature translational stop signal has been observed in individual(s) with prostate cancer, pancreatic cancer, ovarian cancer (PMID: 17262179, 29348823, 29884136). This variant is also known as c.5788_5789delGT. For these reasons, this variant has been classified as Pathogenic.

Ambry Genetics
Classification: Pathogenic for Hereditary cancer-predisposing syndrome. Last evaluated: 2024-10-30. Review status: criteria provided, single submitter. Criteria: Ambry Variant Classification Scheme 2023. Collection method: clinical testing. Allele origin: germline. Not counted in ClinVar's aggregate classification.
Comment: The c.5560_5561delGT pathogenic mutation, located in coding exon 10 of the BRCA2 gene, results from a deletion of two nucleotides at nucleotide positions 5560 to 5561, causing a translational frameshift with a predicted alternate stop codon (p.V1854Ffs*3). This alteration has been reported in individuals diagnosed with breast, male breast and ovarian cancers (Beristain, E et al. Breast Cancer Res Treat. 2007 Dec;106(2):255-62; Hirasawa A et al. Oncotarget, 2017 Dec;8:112258-112267; Pajares B et al. BMC Cancer, 2018 Jun;18:647; Strojnik K et al. Breast Cancer Res Treat, 2021 Aug;188:811-820). This alteration was also observed with an allele frequency of 0.00014 in 7,051 unselected female breast cancer patients and was not observed in 11,241 female controls of Japanese ancestry (Momozawa Y et al. Nat Commun, 2018 10;9:4083). Additionally, this alteration was identified in a large, worldwide study of BRCA1/2 mutation positive families (Rebbeck TR et al. Hum Mutat, 2018 05;39:593-620). This variant is considered to be rare based on population cohorts in the Genome Aggregation Database (gnomAD). Of note, this alteration is also designated as c.5788_5789delGT and c.5558_5559delGT in published literature. In addition to the clinical data presented in the literature, this alteration is expected to result in loss of function by premature protein truncation or nonsense-mediated mRNA decay. As such, this alteration is interpreted as a disease-causing mutation.

Color Diagnostics, LLC DBA Color Health
Classification: Pathogenic for Hereditary cancer-predisposing syndrome. Last evaluated: 2022-02-24. Review status: criteria provided, single submitter. Criteria: ACMG Guidelines, 2015. Collection method: clinical testing. Allele origin: germline. Not counted in ClinVar's aggregate classification.
Comment: This variant deletes 2 nucleotides in exon 11 of the BRCA2 gene, creating a frameshift and premature translation stop signal. This variant is expected to result in an absent or non-functional protein product. This variant has been reported in 2 individuals affected with breast cancer and 1 individual affected with ovarian cancer (PMID: 29348823, 30287823, 33037428). This variant has not been identified in the general population by the Genome Aggregation Database (gnomAD). Loss of BRCA2 function is a known mechanism of disease. Based on the available evidence, this variant is classified as Pathogenic.

Department of Molecular Diagnostics, Institute of Oncology Ljubljana
Classification: Pathogenic for Breast-ovarian cancer, familial, susceptibility to, 1. Last evaluated: 2020-04-02. Review status: criteria provided, single submitter. Criteria: ACMG Guidelines, 2015. Collection method: clinical testing. Allele origin: germline. Affected: yes. Not counted in ClinVar's aggregate classification.

Genologica Medica
Classification: Pathogenic for Breast-ovarian cancer, familial, susceptibility to, 2. Last evaluated: 2017-01-01. Review status: criteria provided, single submitter. Criteria: ACMG Guidelines, 2015. Collection method: clinical testing. Allele origin: germline. Affected: yes. Not counted in ClinVar's aggregate classification.

Consortium of Investigators of Modifiers of BRCA1/2 (CIMBA), c/o University of Cambridge
Classification: Pathogenic for Breast-ovarian cancer, familial, susceptibility to, 2. Last evaluated: 2015-10-02. Review status: criteria provided, single submitter. Criteria: CIMBA Mutation Classification guidelines May 2016. Collection method: clinical testing. Allele origin: germline. Not counted in ClinVar's aggregate classification.

GeneDx
Classification: Pathogenic for Familial cancer of breast. Last evaluated: 2013-11-14. Review status: criteria provided, single submitter. Criteria: GeneDx Variant Classification (06012015). Collection method: clinical testing. Allele origin: germline. Affected: yes. Not counted in ClinVar's aggregate classification.
Comment: This variant is denoted BRCA2 c.5560_5561delGT at the cDNA level and p.Val1854PhefsX3 (V1854FfsX3) at the protein level. The surrounding sequence is TTGT[delGT]TTCA. The deletion causes a frameshift, changing a Valine to a Phenylalanine at codon 1854, and creating a premature stop codon at position 3 of the new reading frame. This mutation is predicted to cause loss of normal protein function through either protein truncation or nonsense-mediated mRNA decay. BRCA2 c.5560_5561delGT, also known as c.5788_5789delGT, has been reported in association with familial breast and/or ovarian cancer (Beristain 2007) and is indicative of Hereditary Breast and Ovarian Cancer (HBOC) syndrome, an autosomal dominant condition that predisposes to breast and ovarian cancer as well as other cancers. The predominant BRCA2-related cancer risks for women who have not been diagnosed with cancer have been estimated as 41% - 84% lifetime risk for breast cancer and 11% - 27% lifetime risk for ovarian cancer (Ford 1998, Risch 2006). BRCA2 mutations have also been reported in women with fallopian tube carcinoma, primary peritoneal carcinoma, and uterine serous carcinoma (Levine 2003, Biron-Shental 2006). Women with BRCA1/2 mutations also have an increased risk for contralateral breast cancer. Women with BRCA mutations whose first cancer was diagnosed under age 40 have a 21-31% risk to develop a second breast cancer within 10 years and a 63% risk to develop a second breast cancer within 25 years. Women with BRCA mutations whose first cancer was diagnosed between ages 40 and 50 have an 11-13% risk to develop a second breast cancer within 10 years and a 44-49% risk within 25 years. Women with BRCA mutations whose first cancer was diagnosed after age 50 have an 8% risk to develop a second breast cancer within 10 years and a 20% risk within 25 years (Graeser 2009). Other cancer risks associated with a BRCA2 mutation include up to a 7% risk for pancreatic cancer (Ozcelik 1997, The Breast Cancer Linkage Consortium 1999), up to a 34% risk for prostate cancer in male carriers (Thompson 2001), and up to a 7% risk for male breast cancer (Liede 2004). The variant is found in BRCA1-BRCA2 panel(s).

Literature cited by the submitters: PubMed 20104584 (cited by Labcorp Genetics (formerly Invitae), Labcorp); PubMed 17262179 (cited by Labcorp Genetics (formerly Invitae), Labcorp); PubMed 29348823 (cited by 3 submitters); PubMed 29884136 (cited by Labcorp Genetics (formerly Invitae), Labcorp and Ambry Genetics); PubMed 29446198 (cited by Ambry Genetics); PubMed 30287823 (cited by Ambry Genetics and Color Diagnostics, LLC DBA Color Health); PubMed 33891299 (cited by Ambry Genetics); PubMed 33037428 (cited by Color Diagnostics, LLC DBA Color Health).